The following is an entry in ClinVar:

NM_032119.4(ADGRV1):c.506T>C (p.Leu169Pro)

Gene: ADGRV1 (adhesion G protein-coupled receptor V1; plus strand). Cytogenetic location: 5q14.3.
Variant type: single nucleotide variant.
Coding change: c.506T>C on transcript NM_032119.4 (MANE Select); coding-DNA position 506, T replaced by C.
Protein change: p.Leu169Pro; replaces leucine 169 with proline.
Molecular consequence: missense variant. On other transcripts: non-coding transcript variant (1).
Genome position (GRCh38, 1-based): chr5:90,622,649, T>C. VCF-style: chr5-90622649-T-C. GRCh37 (hg19) VCF-style: chr5-89918466-T-C.
Other names: short protein forms L169P.
Identifiers: ClinVar variation 1334615 (VCV001334615.6), dbSNP rs1363483604, ClinGen allele CA360363302.

ClinVar aggregate classification (germline): Uncertain significance. Review status: criteria provided, multiple submitters, no conflicts (2 of 4 stars). 3 submissions from 3 submitters: Uncertain significance (3). Last evaluated 2024-09-27.

gnomAD v4.1: 6 of 1,550,342 alleles (0.00039%); highest among the groups gnomAD compares: African/African-American, 0.0069%; no homozygotes.

Submissions (3):

Women's Health and Genetics/Laboratory Corporation of America, LabCorp
Classification: Uncertain significance. Last evaluated: 2024-09-27. Review status: criteria provided, single submitter. Criteria: LabCorp Variant Classification Summary - May 2015. Collection method: clinical testing. Allele origin: germline.
Comment: Variant summary: ADGRV1 c.506T>C (p.Leu169Pro) results in a non-conservative amino acid change located in the Na-Ca exchanger/integrin-beta4 domain (IPR003644) of the encoded protein sequence. Five of five in-silico tools predict a damaging effect of the variant on protein function. The frequency data for this variant in gnomAD is considered unreliable, as metrics indicate poor data quality at this position. c.506T>C has been reported in the literature in at least one compound heterozygous individual affected with Usher Syndrome (Sloan-Heggen_2016). These data do not allow any conclusion about variant significance. To our knowledge, no experimental evidence demonstrating an impact on protein function has been reported. The following publication has been ascertained in the context of this evaluation (PMID: 26969326). ClinVar contains an entry for this variant (Variation ID: 1334615). Based on the evidence outlined above, the variant was classified as uncertain significance.

Greenwood Genetic Center Diagnostic Laboratories, Greenwood Genetic Center
Classification: Uncertain significance. Last evaluated: 2021-10-06. Review status: criteria provided, single submitter. Criteria: ACMG Guidelines, 2015. Collection method: clinical testing. Allele origin: germline. Affected: yes.
Comment: PM2

Blueprint Genetics
Classification: Uncertain significance. Last evaluated: 2021-08-21. Review status: criteria provided, single submitter. Criteria: ACMG Guidelines, 2015. Collection method: clinical testing. Allele origin: germline.

Literature cited by the submitters: PubMed 26969326 (cited by Women's Health and Genetics/Laboratory Corporation of America, LabCorp).